The following is an entry in ClinVar:

NM_022773.4(LMF1):c.725A>T (p.Tyr242Phe)

Gene: LMF1 (lipase maturation factor 1; minus strand). Cytogenetic location: 16p13.3.
Variant type: single nucleotide variant.
Coding change: c.725A>T on transcript NM_022773.4 (MANE Select); coding-DNA position 725, A replaced by T.
Protein change: p.Tyr242Phe; replaces tyrosine 242 with phenylalanine.
Molecular consequence: missense variant. On other transcripts: non-coding transcript variant (1).
Genome position (GRCh38, 1-based): chr16:893,011, T>A on the plus strand (A>T on the coding strand, the complement: LMF1 is on the minus strand). VCF-style: chr16-893011-T-A. GRCh37 (hg19) VCF-style: chr16-943011-T-A.
Other names: c.74A>T, p.Tyr25Phe (NM_001352017.2, NM_001352021.2); c.326A>T, p.Tyr109Phe (NM_001352018.2); c.398A>T, p.Tyr133Phe (NM_001352019.2); c.725A>T, p.Tyr242Phe (NM_001352020.1); short protein forms Y133F, Y109F, Y242F, Y25F.
Identifiers: ClinVar variation 1757950 (VCV001757950.2), dbSNP rs754165819, ClinGen allele CA7797404.

ClinVar aggregate classification (germline): Uncertain significance (1 of 4 stars; one submission).

Conditions:
Cardiovascular phenotype. Identifiers: MedGen CN230736.

Allele frequency attached by ClinVar (database versions not stated): ExAC 0.00005.
gnomAD v4.1: 14 of 1,549,606 alleles (0.0009%); highest among the groups gnomAD compares: East Asian, 0.034%; no homozygotes.

Submission:

Ambry Genetics
Classification: Uncertain significance for Cardiovascular phenotype. Last evaluated: 2021-07-12. Review status: criteria provided, single submitter. Criteria: Ambry Variant Classification Scheme 2023. Collection method: clinical testing. Allele origin: germline.
Comment: The p.Y242F variant (also known as c.725A>T), located in coding exon 5 of the LMF1 gene, results from an A to T substitution at nucleotide position 725. The tyrosine at codon 242 is replaced by phenylalanine, an amino acid with highly similar properties. This amino acid position is conserved. In addition, this alteration is predicted to be tolerated by in silico analysis. Since supporting evidence is limited at this time, the clinical significance of this alteration remains unclear.